The following is an entry in ClinVar:

ClinVar aggregate classification (germline): Pathogenic (1 of 4 stars; one submission).

Conditions:
Joubert syndrome 21 (JBTS21). Identifiers: MedGen C3810212, MONDO:0014288, OMIM 615636.

Submission:

Labcorp Genetics (formerly Invitae), Labcorp
Classification: Pathogenic for Joubert syndrome 21. Last evaluated: 2023-05-15. Review status: criteria provided, single submitter. Criteria: Invitae Variant Classification Sherloc (09022015). Collection method: clinical testing. Allele origin: germline.
Comment: For these reasons, this variant has been classified as Pathogenic. This variant has not been reported in the literature in individuals affected with CSPP1-related conditions. This variant is not present in population databases (gnomAD no frequency). This sequence change creates a premature translational stop signal (p.Ile857Leufs*48) in the CSPP1 gene. It is expected to result in an absent or disrupted protein product. Loss-of-function variants in CSPP1 are known to be pathogenic (PMID: 24360807, 24360808).

Literature cited by the submitters: PubMed 24360807; PubMed 24360808.

NM_001382391.1(CSPP1):c.2584del (p.Ile862fs)

Gene: CSPP1 (centrosome and spindle pole associated protein 1; plus strand). Cytogenetic location: 8q13.2.
Variant type: Deletion.
Coding change: c.2584del on transcript NM_001382391.1 (MANE Select); coding-DNA position 2584, one base deleted (A; older notation c.2584delA).
Protein change: p.Ile862fs; shifts the reading frame from isoleucine 862.
Molecular consequence: frameshift variant.
Genome position (GRCh38, 1-based): chr8:67,161,856, A deleted; the last of 4 consecutive A bases (chr8:67,161,853-67,161,856); deleting any one gives the same sequence. VCF-style (leftmost placement, unchanged base first): chr8-67161852-CA-C. GRCh37 (hg19) VCF-style: chr8-68074087-CA-C.
Other names: c.1534del, p.Ile512fs (NM_001291339.2); c.2503del, p.Ile835fs (NM_001363131.2); c.2389del, p.Ile797fs (NM_001363132.2); c.2308del, p.Ile770fs (NM_001363133.2); c.2650del, p.Ile884fs (NM_001364869.1); c.2470del, p.Ile824fs (NM_001364870.1); c.2569delA, p.Ile857Leufs (NM_024790.7); short protein forms I862fs, I512fs, I857fs, I770fs, I797fs, I835fs, I884fs, I824fs.
Identifiers: ClinVar variation 2864520 (VCV002864520.3), dbSNP rs2489901305, ClinGen allele CA2739268824.